The following is an entry in ClinVar:

ClinVar aggregate classification (germline): Uncertain significance (1 of 4 stars; one submission).

gnomAD v4.1: 2 of 1,614,068 alleles (0.00012%); highest among the groups gnomAD compares: Admixed American, 0.0033%; no homozygotes.

Submission:

Labcorp Genetics (formerly Invitae), Labcorp
Classification: Uncertain significance. Last evaluated: 2024-10-13. Review status: criteria provided, single submitter. Criteria: Invitae Variant Classification Sherloc (09022015). Collection method: clinical testing. Allele origin: germline.
Comment: This sequence change replaces asparagine, which is neutral and polar, with serine, which is neutral and polar, at codon 646 of the USP25 protein (p.Asn646Ser). This variant is present in population databases (rs771683915, gnomAD 0.006%). This variant has not been reported in the literature in individuals affected with USP25-related conditions. An algorithm developed to predict the effect of missense changes on protein structure and function (PolyPhen-2) suggests that this variant is likely to be disruptive. In summary, the available evidence is currently insufficient to determine the role of this variant in disease. Therefore, it has been classified as a Variant of Uncertain Significance.

NM_001283041.3(USP25):c.1937A>G (p.Asn646Ser)

Gene: USP25 (ubiquitin specific peptidase 25; plus strand). Cytogenetic location: 21q21.1.
Variant type: single nucleotide variant.
Coding change: c.1937A>G on transcript NM_001283041.3 (MANE Select); coding-DNA position 1937, A replaced by G.
Protein change: p.Asn646Ser; replaces asparagine 646 with serine.
Molecular consequence: missense variant.
Genome position (GRCh38, 1-based): chr21:15,831,573, A>G. VCF-style: chr21-15831573-A-G. GRCh37 (hg19) VCF-style: chr21-17203892-A-G.
Other names: c.1937A>G, p.Asn646Ser (NM_001283042.3, NM_013396.6); c.1274A>G, p.Asn425Ser (NM_001352560.2, NM_001388299.1); c.725A>G, p.Asn242Ser (NM_001352561.2, NM_001388300.1, NM_001388301.1 and 1 more transcripts); short protein forms N425S, N242S, N646S.
Identifiers: ClinVar variation 3722859 (VCV003722859.2).
Genomic context (GRCh38, chr21:15,831,573, plus strand): 5'-TTGCTGTGACAAAATCATCATGGGAAGAGCTAGTGAGGGACTCTTTTGGTGGTTATAGAA[A>G]TGCCAGTGCATACTGTTTAATGTACATAAATGATAAGGCACAGTTCCTAATACAAGGTAA-3'
Protein context (NP_001269970.1, residues 636-656): LVRDSFGGYR[Asn646Ser]ASAYCLMYIN